The following is an entry in ClinVar:

ClinVar aggregate classification (germline): Uncertain significance. Review status: criteria provided, multiple submitters, no conflicts (2 of 4 stars). 2 submissions from 2 submitters: Uncertain significance (2). Last evaluated 2024-04-23.

Conditions:
Neuropathy, hereditary sensory and autonomic, type 2A (HSAN2A). Also called: HSAN IIA; WNK1-Related HSAN2 (HSAN2A); ACROOSTEOLYSIS, GIACCAI TYPE; ACROOSTEOLYSIS, NEUROGENIC; MORVAN DISEASE; NEUROPATHY, CONGENITAL SENSORY. Identifiers: Orphanet 970, MedGen C2752089, MONDO:0024309, OMIM 201300.
Pseudohypoaldosteronism type 2C (PHA2C). Also called: Pseudohypoaldosteronism Type IIC. Identifiers: Orphanet 757, Orphanet 88940, MedGen C1840391, MONDO:0013778, OMIM 614492.

Allele frequency attached by ClinVar (database versions not stated): gnomAD exomes below 0.00001.
gnomAD v4.1: 2 of 1,612,614 alleles (0.00012%); highest among the groups gnomAD compares: Admixed American, 0.0017%; no homozygotes.

Submissions (2):

Fulgent Genetics
Classification: Uncertain significance for Neuropathy, hereditary sensory and autonomic, type 2A; Pseudohypoaldosteronism type 2C. Last evaluated: 2024-04-23. Review status: criteria provided, single submitter. Criteria: ACMG Guidelines, 2015. Collection method: clinical testing. Allele origin: germline.

Labcorp Genetics (formerly Invitae), Labcorp
Classification: Uncertain significance for Neuropathy, hereditary sensory and autonomic, type 2A; Pseudohypoaldosteronism type 2C. Last evaluated: 2022-09-07. Review status: criteria provided, single submitter. Criteria: Invitae Variant Classification Sherloc (09022015). Collection method: clinical testing. Allele origin: germline.
Comment: This sequence change replaces histidine, which is basic and polar, with proline, which is neutral and non-polar, at codon 77 of the WNK1 protein (p.His77Pro). This variant is not present in population databases (gnomAD no frequency). This variant has not been reported in the literature in individuals affected with WNK1-related conditions. Advanced modeling of protein sequence and biophysical properties (such as structural, functional, and spatial information, amino acid conservation, physicochemical variation, residue mobility, and thermodynamic stability) performed at Invitae indicates that this missense variant is not expected to disrupt WNK1 protein function. In summary, the available evidence is currently insufficient to determine the role of this variant in disease. Therefore, it has been classified as a Variant of Uncertain Significance.

NM_018979.4(WNK1):c.230A>C (p.His77Pro)

Gene: WNK1 (WNK lysine deficient protein kinase 1; plus strand). Cytogenetic location: 12p13.33.
Variant type: single nucleotide variant.
Coding change: c.230A>C on transcript NM_018979.4 (MANE Select); coding-DNA position 230, A replaced by C.
Protein change: p.His77Pro; replaces histidine 77 with proline.
Molecular consequence: missense variant.
Genome position (GRCh38, 1-based): chr12:753,795, A>C. VCF-style: chr12-753795-A-C. GRCh37 (hg19) VCF-style: chr12-862961-A-C.
Other names: c.230A>C, p.His77Pro (NM_001184985.2, NM_014823.3, NM_213655.5); short protein forms H77P.
Identifiers: ClinVar variation 1933127 (VCV001933127.6), dbSNP rs2547359790, ClinGen allele CA383304348.